The following is an entry in ClinVar:

ClinVar aggregate classification (germline): Uncertain significance (1 of 4 stars; one submission).

gnomAD v4.1: 1 of 1,187,440 alleles (0.000084%); highest among the groups gnomAD compares: African/African-American, 0.0017%; no homozygotes.

Submission:

Labcorp Genetics (formerly Invitae), Labcorp
Classification: Uncertain significance. Last evaluated: 2022-04-12. Review status: criteria provided, single submitter. Criteria: Invitae Variant Classification Sherloc (09022015). Collection method: clinical testing. Allele origin: germline.
Comment: In summary, the available evidence is currently insufficient to determine the role of this variant in disease. Therefore, it has been classified as a Variant of Uncertain Significance. Algorithms developed to predict the effect of missense changes on protein structure and function output the following: SIFT: "Tolerated"; PolyPhen-2: "Benign"; Align-GVGD: "Class C0". The alanine amino acid residue is found in multiple mammalian species, which suggests that this missense change does not adversely affect protein function. This variant has not been reported in the literature in individuals affected with TBC1D8B-related conditions. This variant is not present in population databases (gnomAD no frequency). This sequence change replaces valine, which is neutral and non-polar, with alanine, which is neutral and non-polar, at codon 417 of the TBC1D8B protein (p.Val417Ala).

NM_017752.3(TBC1D8B):c.1250T>C (p.Val417Ala)

Gene: TBC1D8B (TBC1 domain family member 8B; plus strand). Cytogenetic location: Xq22.3.
Variant type: single nucleotide variant.
Coding change: c.1250T>C on transcript NM_017752.3 (MANE Select); coding-DNA position 1250, T replaced by C.
Protein change: p.Val417Ala; replaces valine 417 with alanine.
Molecular consequence: missense variant.
Genome position (GRCh38, 1-based): chrX:106,839,354, T>C. VCF-style: chrX-106839354-T-C. GRCh37 (hg19) VCF-style: chrX-106082584-T-C.
Other names: c.1250T>C, p.Val417Ala (NM_198881.2); short protein forms V417A.
Identifiers: ClinVar variation 2096951 (VCV002096951.4), dbSNP rs111863866, ClinGen allele CA413800664.